The following is an entry in ClinVar:

NM_002439.5(MSH3):c.1349A>C (p.Asp450Ala)

Gene: MSH3 (mutS homolog 3; plus strand). Cytogenetic location: 5q14.1.
Variant type: single nucleotide variant.
Coding change: c.1349A>C on transcript NM_002439.5 (MANE Select); coding-DNA position 1349, A replaced by C.
Protein change: p.Asp450Ala; replaces aspartic acid 450 with alanine.
Molecular consequence: missense variant.
Genome position (GRCh38, 1-based): chr5:80,725,461, A>C. VCF-style: chr5-80725461-A-C. GRCh37 (hg19) VCF-style: chr5-80021280-A-C.
Other names: short protein forms D450A.
Identifiers: ClinVar variation 3913630 (VCV003913630.1).

ClinVar aggregate classification (germline): Uncertain significance (1 of 4 stars; one submission).

Conditions:
Hereditary cancer-predisposing syndrome. Also called: Hereditary Cancer Syndrome; Hereditary neoplastic syndrome; Neoplastic Syndromes, Hereditary; Tumor predisposition. Identifiers: Orphanet 140162, MedGen C0027672, MeSH D009386, MONDO:0015356.

Submission:

Ambry Genetics
Classification: Uncertain significance for Hereditary cancer-predisposing syndrome. Last evaluated: 2025-05-08. Review status: criteria provided, single submitter. Criteria: Ambry Variant Classification Scheme 2023. Collection method: clinical testing. Allele origin: germline.
Comment: The p.D450A variant (also known as c.1349A>C), located in coding exon 9 of the MSH3 gene, results from an A to C substitution at nucleotide position 1349. The aspartic acid at codon 450 is replaced by alanine, an amino acid with dissimilar properties. This amino acid position is highly conserved in available vertebrate species. In addition, the in silico prediction for this alteration is inconclusive. Based on the available evidence, the clinical significance of this variant remains unclear.